The following is an entry in ClinVar:

NM_133433.4(NIPBL):c.3296C>A (p.Ala1099Asp)

Gene: NIPBL (NIPBL cohesin loading factor; plus strand). Cytogenetic location: 5p13.2.
Variant type: single nucleotide variant.
Coding change: c.3296C>A on transcript NM_133433.4 (MANE Select); coding-DNA position 3296, C replaced by A.
Protein change: p.Ala1099Asp; replaces alanine 1099 with aspartic acid.
Molecular consequence: missense variant.
Genome position (GRCh38, 1-based): chr5:36,995,796, C>A. VCF-style: chr5-36995796-C-A. GRCh37 (hg19) VCF-style: chr5-36995898-C-A.
Other names: c.3296C>A, p.Ala1099Asp (NM_015384.5); short protein forms A1099D.
Identifiers: ClinVar variation 3250445 (VCV003250445.1), dbSNP rs762670218.
Genomic context (GRCh38, chr5:36,995,796, plus strand): 5'-TTAATGAAAAGCCAAAATATGCTGAAATCAGTTCAGATGAAGATAATGATAGTGATGAAG[C>A]TTTTGAATGTAAGTATCACAGAACTCTTTGTTATTATTTTAGAGTTTAAAAGCAGGTTGA-3'
Protein context (NP_597677.2, residues 1089-1109): SSDEDNDSDE[Ala1099Asp]FESSRKRHKK

ClinVar aggregate classification (germline): Uncertain significance (1 of 4 stars; one submission).

Conditions:
Cornelia de Lange syndrome 1 (CDLS1). Also called: Brachmann de Lange syndrome; NIPBL-Related Cornelia de Lange Syndrome; TYPUS DEGENERATIVUS AMSTELODAMENSIS. Identifiers: Orphanet 199, MedGen C4551851, MONDO:0007387, OMIM 122470.

Submission:

Neuberg Centre For Genomic Medicine, NCGM
Classification: Uncertain significance for Cornelia de Lange syndrome 1. Review status: criteria provided, single submitter. Criteria: ACMG Guidelines, 2015. Collection method: clinical testing. Allele origin: germline. Inheritance: Autosomal dominant inheritance. Affected: yes.
Comment: The missense c.3296C>A (p.Ala1099Asp) variant in NIPBL gene has not been reported previously as a pathogenic variant nor as a benign variant, to our knowledge. This variant is absent in the gnomAD Exomes. The amino acid Alanine at position 1099 is changed to a Aspartic acid changing protein sequence and it might alter its composition and physico-chemical properties. The amino acid change p.Ala1099Asp in NIPBL is predicted as conserved by GERP++ and PhyloP across 100 vertebrates. For these reasons, this variant has been classified as Uncertain Significance.